The following is an entry in ClinVar:

ClinVar aggregate classification (germline): Pathogenic (1 of 4 stars; one submission).

Conditions:
Neurofibromatosis, type 1 (NF1). Also called: VON RECKLINGHAUSEN DISEASE; Neurofibromatosis, type I; NEUROFIBROMATOSIS, TYPE I, SOMATIC; Peripheral type neurofibromatosis. Identifiers: Orphanet 636, MedGen C0027831, MONDO:0018975, OMIM 162200. Disease mechanism: loss of function.

Submission:

Labcorp Genetics (formerly Invitae), Labcorp
Classification: Pathogenic for Neurofibromatosis, type 1. Last evaluated: 2023-10-28. Review status: criteria provided, single submitter. Criteria: Invitae Variant Classification Sherloc (09022015). Collection method: clinical testing. Allele origin: germline.
Comment: This sequence change creates a premature translational stop signal (p.Tyr2482Serfs*20) in the NF1 gene. It is expected to result in an absent or disrupted protein product. Loss-of-function variants in NF1 are known to be pathogenic (PMID: 10712197, 23913538). This variant is not present in population databases (gnomAD no frequency). This variant has not been reported in the literature in individuals affected with NF1-related conditions. For these reasons, this variant has been classified as Pathogenic.

Literature cited by the submitters: PubMed 10712197; PubMed 23913538.

NM_001042492.3(NF1):c.7508del (p.Tyr2503fs)

Gene: NF1 (neurofibromin 1; plus strand). Cytogenetic location: 17q11.2.
Variant type: Deletion.
Coding change: c.7508del on transcript NM_001042492.3 (MANE Select); coding-DNA position 7508, one base deleted (A; older notation c.7508delA).
Protein change: p.Tyr2503fs; shifts the reading frame from tyrosine 2503.
Molecular consequence: frameshift variant.
Genome position (GRCh38, 1-based): chr17:31,352,307, A deleted. VCF-style (leftmost placement, unchanged base first): chr17-31352306-TA-T. GRCh37 (hg19) VCF-style: chr17-29679324-TA-T.
Other names: c.7445delA, p.Tyr2482Serfs (NM_000267.4); short protein forms Y2503fs, Y2482fs.
Identifiers: ClinVar variation 2772163 (VCV002772163.3), dbSNP rs2508811618, ClinGen allele CA2697559613.